The following is an entry in ClinVar:

ClinVar aggregate classification (germline): Pathogenic (1 of 4 stars; one submission).

Conditions:
Multiple congenital exostosis (EXT). Also called: Hereditary multiple osteochondromas; MULTIPLE CARTILAGINOUS EXOSTOSES; Multiple exostoses; Hereditary multiple exostoses; Hereditary multiple exostosis; Multiple osteochondromas. Identifiers: Orphanet 321, MedGen C0015306, MONDO:0005508, HP:0002762.

Submission:

Labcorp Genetics (formerly Invitae), Labcorp
Classification: Pathogenic for Multiple congenital exostosis. Last evaluated: 2019-09-12. Review status: criteria provided, single submitter. Criteria: Invitae Variant Classification Sherloc (09022015). Collection method: clinical testing. Allele origin: germline.
Comment: For these reasons, this variant has been classified as Pathogenic. Loss-of-function variants in EXT1 are known to be pathogenic (PMID: 10679937, 11391482, 19810120). This variant is not present in population databases (ExAC no frequency). This sequence change creates a premature translational stop signal (p.Trp412Serfs*13) in the EXT1 gene. It is expected to result in an absent or disrupted protein product.

Literature cited by the submitters: PubMed 10679937; PubMed 11391482; PubMed 19810120.

NM_000127.3(EXT1):c.1235_1236delinsC (p.Trp412fs)

Gene: EXT1 (exostosin glycosyltransferase 1; minus strand). Cytogenetic location: 8q24.11.
Variant type: Indel.
Coding change: c.1235_1236delinsC on transcript NM_000127.3 (MANE Select); coding-DNA positions 1235 to 1236, GG replaced by C.
Protein change: p.Trp412fs; shifts the reading frame from tryptophan 412.
Molecular consequence: frameshift variant.
Genome position (GRCh38, 1-based): chr8:117,830,278-117,830,279, CC replaced by G on the plus strand (GG replaced by C on the coding strand, the reverse complement: EXT1 is on the minus strand). VCF-style: chr8-117830278-CC-G. GRCh37 (hg19) VCF-style: chr8-118842517-CC-G.
Other names: short protein forms W412fs.
Identifiers: ClinVar variation 970984 (VCV000970984.6), dbSNP rs1812076915, ClinGen allele CA1139660730.